The following is an entry in ClinVar:

ClinVar aggregate classification (germline): Pathogenic. Review status: reviewed by expert panel (3 of 4 stars). 5 submissions from 5 submitters: Pathogenic (1). 4 of the submissions do not count toward it. Last evaluated 2016-10-18.

Conditions:
Breast-ovarian cancer, familial, susceptibility to, 2 (BROVCA2). Also called: BRCA2 Hereditary Breast and Ovarian Cancer. Identifiers: Orphanet 145, MedGen C2675520, MONDO:0012933, OMIM 612555. Disease mechanism: loss of function.
Hereditary breast ovarian cancer syndrome. Also called: BRCA1- and BRCA2-Associated Hereditary Breast and Ovarian Cancer; Hereditary breast and ovarian cancer; Breast and ovarian cancer; Hereditary breast and/or ovarian cancer syndrome; Hereditary breast and ovarian cancer syndrome; Hereditary breast and ovarian cancer syndrome (HBOC). Identifiers: Orphanet 145, MedGen C0677776, MeSH D061325, MONDO:0003582. Disease mechanism: loss of function.
Hereditary cancer-predisposing syndrome. Also called: Hereditary neoplastic syndrome; Neoplastic Syndromes, Hereditary; Tumor predisposition; Hereditary Cancer Syndrome. Identifiers: Orphanet 140162, MedGen C0027672, MeSH D009386, MONDO:0015356.
Malignant tumor of breast. Also called: Malignant breast neoplasm; Cancer breast. Identifiers: MedGen C0006142, MONDO:0007254. Disease mechanism: loss of function.

Submissions (5):

Evidence-based Network for the Interpretation of Germline Mutant Alleles (ENIGMA)
Classification: Pathogenic for Breast-ovarian cancer, familial, susceptibility to, 2. Last evaluated: 2016-10-18. Review status: reviewed by expert panel. Criteria: ENIGMA BRCA1/2 Classification Criteria (2015). Collection method: curation. Allele origin: germline.
Comment: Variant allele predicted to encode a truncated non-functional protein.

Labcorp Genetics (formerly Invitae), Labcorp
Classification: Pathogenic for Hereditary breast ovarian cancer syndrome. Last evaluated: 2025-11-05. Review status: criteria provided, single submitter. Criteria: Invitae Variant Classification Sherloc (09022015). Collection method: clinical testing. Allele origin: germline. Not counted in ClinVar's aggregate classification.
Comment: This sequence change creates a premature translational stop signal (p.Ile2105Tyrfs*14) in the BRCA2 gene. It is expected to result in an absent or disrupted protein product. Loss-of-function variants in BRCA2 are known to be pathogenic (PMID: 20104584). This variant is not present in population databases (gnomAD no frequency). This premature translational stop signal has been observed in individual(s) with breast and/ovarian cancer (PMID: 26306726, 33646313). ClinVar contains an entry for this variant (Variation ID: 266938). For these reasons, this variant has been classified as Pathogenic.

Ambry Genetics
Classification: Pathogenic for Hereditary cancer-predisposing syndrome. Last evaluated: 2017-04-26. Review status: criteria provided, single submitter. Criteria: Ambry Variant Classification Scheme 2023. Collection method: clinical testing. Allele origin: germline. Not counted in ClinVar's aggregate classification.
Comment: The c.6313delA pathogenic mutation, located in coding exon 10 of the BRCA2 gene, results from a deletion of one nucleotide at nucleotide position 6313, causing a translational frameshift with a predicted alternate stop codon (p.I2105Yfs*14). This alteration is expected to result in loss of function by premature protein truncation or nonsense-mediated mRNA decay. As such, this alteration is interpreted as a disease-causing mutation.

Consortium of Investigators of Modifiers of BRCA1/2 (CIMBA), c/o University of Cambridge
Classification: Pathogenic for Breast-ovarian cancer, familial, susceptibility to, 2. Last evaluated: 2015-10-02. Review status: criteria provided, single submitter. Criteria: CIMBA Mutation Classification guidelines May 2016. Collection method: clinical testing. Allele origin: germline. Not counted in ClinVar's aggregate classification.

Department of Pathology and Laboratory Medicine, Sinai Health System
Classification: Pathogenic for Malignant tumor of breast. Review status: no assertion criteria provided. Collection method: clinical testing. Allele origin: unknown. Affected: yes. Observed: 2 variant alleles. Study: The Canadian Open Genetics Repository (COGR). Not counted in ClinVar's aggregate classification.
Comment: The BRCA2 p.Ile2105TyrfsX14 variant was not identified in the literature nor was it identified in the Cosmic, MutDB, LOVD 3.0, UMD-LSDB, BIC Database, ARUP Laboratories and Zhejiang Colon Cancer Database. The variant was identified in the following databases: dbSNP (ID: rs886040649) as â€šÃ„ÃºWith Pathogenic alleleâ€šÃ„Ã¹, ClinVar (reported 3x as pathogenic by ENIGMA, CIMBA, Ambry Genetics and reviewed by expert panel). The variant was not identified in the 1000 Genomes Project, the NHLBI GO Exome Sequencing Project, the Exome Aggregation Consortium (August 8th 2016), or the Genome Aggregation Database (Feb 27, 2017). The c.6313delA variant is predicted to cause a frameshift, which alters the protein's amino acid sequence beginning at codon 2105 and leads to a premature stop codon 14 codons downstream. This alteration is then predicted to result in a truncated or absent protein and loss of function. Loss of function variants of the BRCA2 gene are an established mechanism of disease in hereditary breast and ovarian cancer and is the type of variant expected to cause the disorder. In summary, based on the above information this variant meets our laboratoryâ€šÃ„Ã´s criteria to be classified as pathogenic.

Literature cited by the submitters: PubMed 20104584 (cited by Labcorp Genetics (formerly Invitae), Labcorp); PubMed 26306726 (cited by Labcorp Genetics (formerly Invitae), Labcorp); PubMed 33646313 (cited by Labcorp Genetics (formerly Invitae), Labcorp).

NM_000059.4(BRCA2):c.6313del (p.Ile2105fs)

Gene: BRCA2 (BRCA2 DNA repair associated; plus strand). Cytogenetic location: 13q13.1.
Variant type: Deletion.
Coding change: c.6313del on transcript NM_000059.4 (MANE Select); coding-DNA position 6313, one base deleted (A; older notation c.6313delA).
Protein change: p.Ile2105fs; shifts the reading frame from isoleucine 2105.
Molecular consequence: frameshift variant.
Genome position (GRCh38, 1-based): chr13:32,340,668, A deleted; the last of 5 consecutive A bases (chr13:32,340,664-32,340,668); deleting any one gives the same sequence. VCF-style (leftmost placement, unchanged base first): chr13-32340663-CA-C. GRCh37 (hg19) VCF-style: chr13-32914800-CA-C.
Other names: 6541delA; c.6313delA (NM_000059.3).
Identifiers: ClinVar variation 266938 (VCV000266938.15), dbSNP rs886040649, ClinGen allele CA10589368.